The following is an entry in ClinVar:

NM_003482.4(KMT2D):c.13361del (p.Pro4454fs)

Gene: KMT2D (lysine methyltransferase 2D; minus strand). Cytogenetic location: 12q13.12.
Variant type: Deletion.
Coding change: c.13361del on transcript NM_003482.4 (MANE Select); coding-DNA position 13361, one base deleted (C; older notation c.13361delC).
Protein change: p.Pro4454fs; shifts the reading frame from proline 4454.
Molecular consequence: frameshift variant.
Genome position (GRCh38, 1-based): chr12:49,031,344, G deleted on the plus strand (C on the coding strand, the reverse complement: KMT2D is on the minus strand); the first of 3 consecutive G bases (chr12:49,031,344-49,031,346); deleting any one gives the same sequence. VCF-style (leftmost placement, unchanged base first): chr12-49031343-AG-A. GRCh37 (hg19) VCF-style: chr12-49425126-AG-A.
Other names: c.13361delC (NM_003482.3); short protein forms P4454fs.
Identifiers: ClinVar variation 580374 (VCV000580374.6), dbSNP rs1565771606, ClinGen allele CA891843484.

ClinVar aggregate classification (germline): Pathogenic (1 of 4 stars; one submission).

Conditions:
Kabuki syndrome. Also called: Kabuki make-up syndrome; NIIKAWA-KUROKI SYNDROME. Identifiers: Orphanet 2322, MedGen C0796004, MONDO:0016512.

Submission:

Labcorp Genetics (formerly Invitae), Labcorp
Classification: Pathogenic for Kabuki syndrome. Last evaluated: 2022-04-21. Review status: criteria provided, single submitter. Criteria: Invitae Variant Classification Sherloc (09022015). Collection method: clinical testing. Allele origin: germline.
Comment: ClinVar contains an entry for this variant (Variation ID: 580374). For these reasons, this variant has been classified as Pathogenic. This variant has not been reported in the literature in individuals affected with KMT2D-related conditions. This variant is not present in population databases (gnomAD no frequency). This sequence change creates a premature translational stop signal (p.Pro4454Leufs*65) in the KMT2D gene. It is expected to result in an absent or disrupted protein product. Loss-of-function variants in KMT2D are known to be pathogenic (PMID: 22126750).

Literature cited by the submitters: PubMed 22126750.